The following is an entry in ClinVar:

NM_001382391.1(CSPP1):c.1937G>A (p.Gly646Asp)

Gene: CSPP1 (centrosome and spindle pole associated protein 1; plus strand). Cytogenetic location: 8q13.2.
Variant type: single nucleotide variant.
Coding change: c.1937G>A on transcript NM_001382391.1 (MANE Select); coding-DNA position 1937, G replaced by A.
Protein change: p.Gly646Asp; replaces glycine 646 with aspartic acid.
Molecular consequence: missense variant.
Genome position (GRCh38, 1-based): chr8:67,137,565, G>A. VCF-style: chr8-67137565-G-A. GRCh37 (hg19) VCF-style: chr8-68049800-G-A.
Other names: c.1040G>A, p.Gly347Asp (NM_001291339.2); c.1856G>A, p.Gly619Asp (NM_001363131.2); c.1895G>A, p.Gly632Asp (NM_001363132.2); c.1814G>A, p.Gly605Asp (NM_001363133.2); c.2003G>A, p.Gly668Asp (NM_001364869.1); c.1823G>A, p.Gly608Asp (NM_001364870.1); c.1922G>A, p.Gly641Asp (NM_024790.7); short protein forms G608D, G632D, G668D, G646D, G605D, G641D, G347D, G619D.
Identifiers: ClinVar variation 1487378 (VCV001487378.8), dbSNP rs923561338, ClinGen allele CA178226351.

ClinVar aggregate classification (germline): Uncertain significance (1 of 4 stars; one submission).

Conditions:
Joubert syndrome 21 (JBTS21). Identifiers: MedGen C3810212, MONDO:0014288, OMIM 615636.

Allele frequency attached by ClinVar (database versions not stated): gnomAD exomes below 0.00001.
gnomAD v4.1: 1 of 1,594,770 alleles (0.000063%); highest among the groups gnomAD compares: Non-Finnish European, 0.000085%; no homozygotes.

Submission:

Labcorp Genetics (formerly Invitae), Labcorp
Classification: Uncertain significance for Joubert syndrome 21. Last evaluated: 2022-09-27. Review status: criteria provided, single submitter. Criteria: Invitae Variant Classification Sherloc (09022015). Collection method: clinical testing. Allele origin: germline.
Comment: In summary, the available evidence is currently insufficient to determine the role of this variant in disease. Therefore, it has been classified as a Variant of Uncertain Significance. Algorithms developed to predict the effect of missense changes on protein structure and function are either unavailable or do not agree on the potential impact of this missense change (SIFT: "Deleterious"; PolyPhen-2: "Probably Damaging"; Align-GVGD: "Class C0"). ClinVar contains an entry for this variant (Variation ID: 1487378). This variant has not been reported in the literature in individuals affected with CSPP1-related conditions. This variant is not present in population databases (gnomAD no frequency). This sequence change replaces glycine, which is neutral and non-polar, with aspartic acid, which is acidic and polar, at codon 641 of the CSPP1 protein (p.Gly641Asp).